The following is an entry in ClinVar:

NM_006648.4(WNK2):c.2558C>T (p.Ala853Val)

Gene: WNK2 (WNK lysine deficient protein kinase 2; plus strand). Cytogenetic location: 9q22.31.
Variant type: single nucleotide variant.
Coding change: c.2558C>T on transcript NM_006648.4 (MANE Select); coding-DNA position 2558, C replaced by T.
Protein change: p.Ala853Val; replaces alanine 853 with valine.
Molecular consequence: missense variant.
Genome position (GRCh38, 1-based): chr9:93,259,106, C>T. VCF-style: chr9-93259106-C-T. GRCh37 (hg19) VCF-style: chr9-96021388-C-T.
Other names: c.2558C>T, p.Ala853Val (NM_001282394.3); short protein forms A853V.
Identifiers: ClinVar variation 2259231 (VCV002259231.3), dbSNP rs755076404, ClinGen allele CA374056818.

ClinVar aggregate classification (germline): Uncertain significance (1 of 4 stars; one submission).

Allele frequency attached by ClinVar (database versions not stated): gnomAD 0.00003.
gnomAD v4.1: 45 of 1,612,424 alleles (0.0028%); highest among the groups gnomAD compares: Non-Finnish European, 0.0036%; no homozygotes.

Submission:

Ambry Genetics
Classification: Uncertain significance. Last evaluated: 2024-11-22. Review status: criteria provided, single submitter. Criteria: Ambry Variant Classification Scheme 2023. Collection method: clinical testing. Allele origin: germline.
Comment: The p.A853V variant (also known as c.2558C>T), located in coding exon 11 of the WNK2 gene, results from a C to T substitution at nucleotide position 2558. The alanine at codon 853 is replaced by valine, an amino acid with similar properties. This amino acid position is conserved. In addition, this alteration is predicted to be tolerated by in silico analysis. Based on the available evidence, the clinical significance of this variant remains unclear.